The following is an entry in ClinVar:

ClinVar aggregate classification (germline): Pathogenic (1 of 4 stars; one submission).

Submission:

Labcorp Genetics (formerly Invitae), Labcorp
Classification: Pathogenic. Last evaluated: 2023-11-24. Review status: criteria provided, single submitter. Criteria: Invitae Variant Classification Sherloc (09022015). Collection method: clinical testing. Allele origin: germline.
Comment: This sequence change affects the initiator methionine of the ABCA4 mRNA. The next in-frame methionine is located at codon 61. This variant is not present in population databases (gnomAD no frequency). Disruption of the initiator codon has been observed in individuals with Stargardt disease (PMID: 28118664, 29925512). For these reasons, this variant has been classified as Pathogenic.

Literature cited by the submitters: PubMed 28118664; PubMed 29925512.

NM_000350.3(ABCA4):c.1A>T (p.Met1Leu)

Gene: ABCA4 (ATP binding cassette subfamily A member 4; minus strand). Cytogenetic location: 1p22.1.
Variant type: single nucleotide variant.
Coding change: c.1A>T on transcript NM_000350.3 (MANE Select); coding-DNA position 1, A replaced by T.
Protein change: p.Met1Leu; changes the start codon (methionine 1).
Molecular consequence: missense variant, initiator codon variant.
Genome position (GRCh38, 1-based): chr1:94,121,045, T>A on the plus strand (A>T on the coding strand, the complement: ABCA4 is on the minus strand). VCF-style: chr1-94121045-T-A. GRCh37 (hg19) VCF-style: chr1-94586601-T-A.
Other names: c.1A>T, p.Met1Leu (NM_001425324.1); short protein forms M1L.
Identifiers: ClinVar variation 2697324 (VCV002697324.3), dbSNP rs201738997, ClinGen allele CA341289049.